The following is an entry in ClinVar:

NM_018163.3(DNAJC17):c.164A>G (p.Gln55Arg)

Gene: DNAJC17 (DnaJ heat shock protein family (Hsp40) member C17; minus strand). Cytogenetic location: 15q15.1.
Variant type: single nucleotide variant.
Coding change: c.164A>G on transcript NM_018163.3 (MANE Select); coding-DNA position 164, A replaced by G.
Protein change: p.Gln55Arg; replaces glutamine 55 with arginine.
Molecular consequence: missense variant.
Genome position (GRCh38, 1-based): chr15:40,779,588, T>C on the plus strand (A>G on the coding strand, the complement: DNAJC17 is on the minus strand). VCF-style: chr15-40779588-T-C. GRCh37 (hg19) VCF-style: chr15-41071786-T-C.
Other names: short protein forms Q55R.
Identifiers: ClinVar variation 2153936 (VCV002153936.4), dbSNP rs933867436, ClinGen allele CA268857691.

ClinVar aggregate classification (germline): Uncertain significance (1 of 4 stars; one submission).

Allele frequency attached by ClinVar (database versions not stated): gnomAD 0.00001; gnomAD exomes 0.00003; TOPMed 0.00003.

Submission:

Labcorp Genetics (formerly Invitae), Labcorp
Classification: Uncertain significance. Last evaluated: 2024-12-05. Review status: criteria provided, single submitter. Criteria: Invitae Variant Classification Sherloc (09022015). Collection method: clinical testing. Allele origin: germline.
Comment: This sequence change replaces glutamine, which is neutral and polar, with arginine, which is basic and polar, at codon 55 of the DNAJC17 protein (p.Gln55Arg). This variant is not present in population databases (gnomAD no frequency). This variant has not been reported in the literature in individuals affected with DNAJC17-related conditions. ClinVar contains an entry for this variant (Variation ID: 2153936). An algorithm developed to predict the effect of missense changes on protein structure and function (PolyPhen-2) suggests that this variant is likely to be disruptive. In summary, the available evidence is currently insufficient to determine the role of this variant in disease. Therefore, it has been classified as a Variant of Uncertain Significance.